The following is an entry in ClinVar:

ClinVar aggregate classification (germline): Likely pathogenic (1 of 4 stars; one submission).

Conditions:
Ataxia - intellectual disability - oculomotor apraxia - cerebellar cysts syndrome. Also called: Poretti-Boltshauser syndrome. Identifiers: Orphanet 370022, MedGen C4014821, MONDO:0014419, OMIM 615960.

Submission:

Broad Center for Mendelian Genomics, Broad Institute of MIT and Harvard
Classification: Likely pathogenic for Ataxia - intellectual disability - oculomotor apraxia - cerebellar cysts syndrome. Last evaluated: 2023-01-25. Review status: criteria provided, single submitter. Criteria: ACMG Guidelines, 2015. Collection method: curation. Allele origin: germline. Inheritance: Autosomal recessive inheritance.
Comment: The homozygous p.Gly1572ValfsTer7 variant in LAMA1 was identified by our study in 2 siblings with Poretti-Boltshauser syndrome. The p.Gly1572ValfsTer7 variant in LAMA1 has been previously reported in one individual with Poretti-Boltshauser syndrome (PMID: 21937992). This affected individual and the individuals identified by our study were homozygotes, which increases the likelihood that the p.Gly1572ValfsTer7 variant is pathogenic (PMID: 21937992). This variant was absent from large population studies. This variant is predicted to cause a frameshift, which alters the protein‚Äôs amino acid sequence beginning at position 1572 and leads to a premature termination codon 7 amino acids downstream. This alteration is then predicted to lead to a truncated or absent protein. Loss of function of the LAMA1 gene is strongly associated to autosomal recessive Poretti-Boltshauser syndrome. In summary, although additional studies are required to fully establish its clinical significance, this variant is likely pathogenic for Poretti-Boltshauser syndrome. ACMG/AMP Criteria applied: PVS1_Strong, PM2_Supporting, PM3 (Richards 2015).

NM_005559.4(LAMA1):c.4715del (p.Gly1572fs)

Gene: LAMA1 (laminin subunit alpha 1; minus strand). Cytogenetic location: 18p11.31.
Variant type: Deletion.
Coding change: c.4715del on transcript NM_005559.4 (MANE Select); coding-DNA position 4715, one base deleted (G; older notation c.4715delG).
Protein change: p.Gly1572fs; shifts the reading frame from glycine 1572.
Molecular consequence: frameshift variant.
Genome position (GRCh38, 1-based): chr18:6,997,833, C deleted on the plus strand (G on the coding strand, the reverse complement: LAMA1 is on the minus strand); the first of 2 consecutive C bases (chr18:6,997,833-6,997,834); deleting either gives the same sequence. VCF-style (leftmost placement, unchanged base first): chr18-6997832-AC-A. GRCh37 (hg19) VCF-style: chr18-6997831-AC-A.
Other names: NM_005559.4:c.4715del; short protein forms G1572fs.
Identifiers: ClinVar variation 2412762 (VCV002412762.1), dbSNP rs2510059095, ClinGen allele CA2573332506.
Genomic context (GRCh38, chr18:6,997,832, plus strand): 5'-TGACAAAATTCCATATGGGACAGGGATAATGCCAGTGAGGTTCAGAGAAAGAACGGCATC[AC>A]CAATCTCATCCAAGTCATTCAGCAGCACACCTACACACTCATCATCACAGGCTACAAGAC-3'